The following is an entry in ClinVar:

NM_013372.7(GREM1):c.176G>A (p.Gly59Glu)

Gene: GREM1 (gremlin 1, DAN family BMP antagonist; plus strand). Cytogenetic location: 15q13.3.
Variant type: single nucleotide variant.
Coding change: c.176G>A on transcript NM_013372.7 (MANE Select); coding-DNA position 176, G replaced by A.
Protein change: p.Gly59Glu; replaces glycine 59 with glutamic acid.
Molecular consequence: missense variant. On other transcripts: intron variant (2).
Genome position (GRCh38, 1-based): chr15:32,730,866, G>A. VCF-style: chr15-32730866-G-A. GRCh37 (hg19) VCF-style: chr15-33023067-G-A.
Other names: c.176G>A, p.Gly59Glu (NM_001368719.1); c.114+62G>A (NM_001191323.2); c.28-62G>A (NM_001191322.2); short protein forms G59E.
Identifiers: ClinVar variation 1779768 (VCV001779768.4), dbSNP rs2055604623, ClinGen allele CA391557347.
Genomic context (GRCh38, chr15:32,730,866, plus strand): 5'-CCCAGCACAATGACTCAGAGCAGACTCAGTCGCCCCAGCAGCCTGGCTCCAGGAACCGGG[G>A]GCGGGGCCAAGGGCGGGGCACTGCCATGCCCGGGGAGGAGGTGCTGGAGTCCAGCCAAGA-3'
Protein context (NP_037504.1, residues 49-69): SPQQPGSRNR[Gly59Glu]RGQGRGTAMP

ClinVar aggregate classification (germline): Uncertain significance. Review status: criteria provided, multiple submitters, no conflicts (2 of 4 stars). 2 submissions from 2 submitters: Uncertain significance (2). Last evaluated 2026-10-01.

Conditions:
Hereditary mixed polyposis syndrome. Also called: Hereditary Mixed Polyposis. Identifiers: Orphanet 157794, MedGen C5192681, MONDO:0011023.
Hereditary cancer-predisposing syndrome. Also called: Hereditary neoplastic syndrome; Neoplastic Syndromes, Hereditary; Tumor predisposition; Hereditary Cancer Syndrome. Identifiers: Orphanet 140162, MedGen C0027672, MeSH D009386, MONDO:0015356.

Allele frequency attached by ClinVar (database versions not stated): TOPMed below 0.00001; gnomAD 0.00001; gnomAD exomes 0.00001.
gnomAD v4.1: 9 of 1,613,396 alleles (0.00056%); highest among the groups gnomAD compares: Non-Finnish European, 0.00076%; no homozygotes.

Submissions (2):

St. Jude Molecular Pathology, St. Jude Children's Research Hospital
Classification: Uncertain significance for Hereditary mixed polyposis syndrome. Last evaluated: 2026-10-01. Review status: criteria provided, single submitter. Criteria: St. Jude Assertion Criteria 2020. Collection method: clinical testing. Allele origin: germline.
Comment: The GREM1 c.176G>A p.(Gly59Glu) missense change is absent in gnomAD v2.1.1. The in silico tool REVEL predicts a benign effect on protein function, but to our knowledge this prediction has not been confirmed by functional studies. To our knowledge, this variant has not been reported in individuals with hereditary mixed polyposis syndrome. In summary, the evidence currently available is insufficient to determi ne the clinical significance of this variant. It has therefore been classified as of uncertain significance.

Ambry Genetics
Classification: Uncertain significance for Hereditary cancer-predisposing syndrome. Last evaluated: 2025-09-07. Review status: criteria provided, single submitter. Criteria: Ambry Variant Classification Scheme 2023. Collection method: clinical testing. Allele origin: germline.
Comment: The p.G59E variant (also known as c.176G>A), located in coding exon 1 of the GREM1 gene, results from a G to A substitution at nucleotide position 176. The glycine at codon 59 is replaced by glutamic acid, an amino acid with similar properties. This amino acid position is conserved. In addition, this alteration is predicted to be tolerated by in silico analysis. Since supporting evidence is limited at this time, the clinical significance of this alteration remains unclear.